The following is an entry in ClinVar:

NM_147127.5(EVC2):c.1006-27ATT[2]

Gene: EVC2 (EvC ciliary complex subunit 2; minus strand). Cytogenetic location: 4p16.2.
Variant type: Microsatellite.
Coding change: c.1006-27ATT[2] on transcript NM_147127.5 (MANE Select); two copies in a row of the 3-base unit ATT starting at c.1006-27; the reference has three copies in a row; one copy, 3 bases deleted.
Molecular consequence: intron variant.
Genome position (GRCh38, 1-based): chr4:5,663,265-5,663,267, AAT deleted on the plus strand (ATT on the coding strand, the reverse complement: EVC2 is on the minus strand); deleting any 3 consecutive bases within chr4:5,663,265-5,663,273 gives the same sequence; the position shown is the placement nearest the transcript's 3' end. VCF-style (leftmost placement, unchanged base first): chr4-5663264-AAAT-A. GRCh37 (hg19) VCF-style: chr4-5664991-AAAT-A.
Other names: c.766-27ATT[2] (NM_001166136.2).
Identifiers: ClinVar variation 3036375 (VCV003036375.2), dbSNP rs2475506616, ClinGen allele CA2669801670.
Genomic context (GRCh38, chr4:5,663,264, plus strand): 5'-AGGTGAACGGCAAGGGTTCCAGCTTGCTCTCATACTGCCAAACCTTCAGGAGAATTGCGG[AAAT>A]AATAATTGATTGGGCCTTCTTGTGAATTCCACGTGCTGAGAAAGCCAGGAGGGAAGGCCA-3'

ClinVar aggregate classification (germline): Likely benign (0 of 4 stars; one submission).

Conditions:
EVC2-related disorder. Also called: EVC2-related condition.

Submission:

PreventionGenetics, part of Exact Sciences
Classification: Likely benign for EVC2-related condition. Last evaluated: 2020-06-05. Review status: no assertion criteria provided. Collection method: clinical testing. Allele origin: germline.
Comment: This variant is classified as likely benign based on ACMG/AMP sequence variant interpretation guidelines (Richards et al. 2015 PMID: 25741868, with internal and published modifications).